The following is an entry in ClinVar:

ClinVar aggregate classification (germline): Uncertain significance (1 of 4 stars; one submission).

Submission:

Labcorp Genetics (formerly Invitae), Labcorp
Classification: Uncertain significance. Last evaluated: 2017-09-27. Review status: criteria provided, single submitter. Criteria: Invitae Variant Classification Sherloc (09022015). Collection method: clinical testing. Allele origin: germline.
Comment: In summary, the available evidence is currently insufficient to determine the role of this variant in disease. Therefore, it has been classified as a Variant of Uncertain Significance. The current clinical and genetic evidence is not sufficient to establish whether loss-of-function variants in CHD4 cause disease. This variant has not been reported in the literature in individuals with CHD4-related disease. This variant is not present in population databases (ExAC no frequency). This sequence change creates a premature translational stop signal (p.Arg684*) in the CHD4 gene. It is expected to result in an absent or disrupted protein product.

NM_001273.5(CHD4):c.2050C>T (p.Arg684Ter)

Gene: CHD4 (chromodomain helicase DNA binding protein 4; minus strand). Cytogenetic location: 12p13.31.
Variant type: single nucleotide variant.
Coding change: c.2050C>T on transcript NM_001273.5 (MANE Select); coding-DNA position 2050, C replaced by T.
Protein change: p.Arg684Ter; replaces arginine 684 with a stop codon.
Molecular consequence: nonsense.
Genome position (GRCh38, 1-based): chr12:6,595,405, G>A on the plus strand (C>T on the coding strand, the complement: CHD4 is on the minus strand). VCF-style: chr12-6595405-G-A. GRCh37 (hg19) VCF-style: chr12-6704571-G-A.
Other names: c.2029C>T, p.Arg677Ter (NM_001297553.2); c.2011C>T, p.Arg671Ter (NM_001363606.2); short protein forms R671*, R677*, R684*.
Identifiers: ClinVar variation 1040699 (VCV001040699.6), dbSNP rs1948470527, ClinGen allele CA383595797.